The following is an entry in ClinVar:

ClinVar aggregate classification (germline): Uncertain significance. Review status: criteria provided, multiple submitters, no conflicts (2 of 4 stars). 2 submissions from 2 submitters: Uncertain significance (2). Last evaluated 2025-02-10.

Conditions:
Inborn genetic diseases. Identifiers: MedGen C0950123, MeSH D030342.

Submissions (2):

Ambry Genetics
Classification: Uncertain significance for Inborn genetic diseases. Last evaluated: 2025-02-10. Review status: criteria provided, single submitter. Criteria: Ambry Variant Classification Scheme 2023. Collection method: clinical testing. Allele origin: germline.

Labcorp Genetics (formerly Invitae), Labcorp
Classification: Uncertain significance. Last evaluated: 2024-12-12. Review status: criteria provided, single submitter. Criteria: Invitae Variant Classification Sherloc (09022015). Collection method: clinical testing. Allele origin: germline.
Comment: This sequence change replaces histidine, which is basic and polar, with proline, which is neutral and non-polar, at codon 876 of the VCAN protein (p.His876Pro). This variant is present in population databases (no rsID available, gnomAD 0.007%). This variant has not been reported in the literature in individuals affected with VCAN-related conditions. An algorithm developed to predict the effect of missense changes on protein structure and function outputs the following: PolyPhen-2: "Benign". The proline amino acid residue is found in multiple mammalian species, which suggests that this missense change does not adversely affect protein function. In summary, the available evidence is currently insufficient to determine the role of this variant in disease. Therefore, it has been classified as a Variant of Uncertain Significance.

NM_004385.5(VCAN):c.2627A>C (p.His876Pro)

Gene: VCAN (versican; plus strand). Cytogenetic location: 5q14.3.
Variant type: single nucleotide variant.
Coding change: c.2627A>C on transcript NM_004385.5 (MANE Select); coding-DNA position 2627, A replaced by C.
Protein change: p.His876Pro; replaces histidine 876 with proline.
Molecular consequence: missense variant. On other transcripts: intron variant (2).
Genome position (GRCh38, 1-based): chr5:83,520,933, A>C. VCF-style: chr5-83520933-A-C. GRCh37 (hg19) VCF-style: chr5-82816752-A-C.
Other names: c.2627A>C, p.His876Pro (NM_001164098.2); c.1042+8537A>C (NM_001164097.2, NM_001126336.3); c.2627A>C (NM_004385.4); short protein forms H876P.
Identifiers: ClinVar variation 3667793 (VCV003667793.3).
Genomic context (GRCh38, chr5:83,520,933, plus strand): 5'-TTATTCCAGATAGTACTCAAAAGCAGTTAGAGGAGGTTACTGATGAAGACATAGCAGCCC[A>C]TGGAAAATTCACAATTAGATTTCAGCCAACTACATCAACTGGTATTGCAGAAAAGTCAAC-3'
Protein context (NP_004376.2, residues 866-886): EEVTDEDIAA[His876Pro]GKFTIRFQPT